The following is an entry in ClinVar:

ClinVar aggregate classification (germline): Uncertain significance (1 of 4 stars; one submission).

Allele frequency attached by ClinVar (database versions not stated): gnomAD exomes below 0.00001.
gnomAD v4.1: 1 of 1,614,008 alleles (0.000062%); no homozygotes.

Submission:

Labcorp Genetics (formerly Invitae), Labcorp
Classification: Uncertain significance. Last evaluated: 2022-02-20. Review status: criteria provided, single submitter. Criteria: Invitae Variant Classification Sherloc (09022015). Collection method: clinical testing. Allele origin: germline.
Comment: In summary, the available evidence is currently insufficient to determine the role of this variant in disease. Therefore, it has been classified as a Variant of Uncertain Significance. Algorithms developed to predict the effect of missense changes on protein structure and function are either unavailable or do not agree on the potential impact of this missense change (SIFT: "Deleterious"; PolyPhen-2: "Probably Damaging"; Align-GVGD: "Class C0"). This variant has not been reported in the literature in individuals affected with ERBIN-related conditions. This variant is not present in population databases (gnomAD no frequency). This sequence change replaces proline, which is neutral and non-polar, with leucine, which is neutral and non-polar, at codon 1254 of the ERBIN protein (p.Pro1254Leu).

NM_001253697.2(ERBIN):c.3761C>T (p.Pro1254Leu)

Gene: ERBIN (erbb2 interacting protein; plus strand). Cytogenetic location: 5q12.3.
Variant type: single nucleotide variant.
Coding change: c.3761C>T on transcript NM_001253697.2 (MANE Select); coding-DNA position 3761, C replaced by T.
Protein change: p.Pro1254Leu; replaces proline 1254 with leucine.
Molecular consequence: missense variant. On other transcripts: intron variant (1).
Genome position (GRCh38, 1-based): chr5:66,075,028, C>T. VCF-style: chr5-66075028-C-T. GRCh37 (hg19) VCF-style: chr5-65370856-C-T.
Other names: c.3638C>T, p.Pro1213Leu (NM_001253698.2, NM_018695.4); c.3782C>T, p.Pro1261Leu (NM_001253699.2); c.3626C>T, p.Pro1209Leu (NM_001253701.2); c.3634-1288C>T (NM_001006600.3); short protein forms P1261L, P1209L, P1213L, P1254L.
Identifiers: ClinVar variation 2100151 (VCV002100151.4), dbSNP rs2546884710, ClinGen allele CA359870907.